The following is an entry in ClinVar:

ClinVar aggregate classification (germline): Likely pathogenic (1 of 4 stars; one submission).

Submission:

Mayo Clinic Laboratories, Mayo Clinic
Classification: Likely pathogenic. Last evaluated: 2025-06-17. Review status: criteria provided, single submitter. Criteria: ACMG Guidelines, 2015. Collection method: clinical testing. Allele origin: germline. Observed: 1 variant allele.
Comment: PM2_supporting, PVS1

NM_000037.4(ANK1):c.5080G>T (p.Glu1694Ter)

Gene: ANK1 (ankyrin 1; minus strand). Cytogenetic location: 8p11.21.
Variant type: single nucleotide variant.
Coding change: c.5080G>T on transcript NM_000037.4 (MANE Select); coding-DNA position 5080, G replaced by T.
Protein change: p.Glu1694Ter; replaces glutamic acid 1694 with a stop codon.
Molecular consequence: nonsense.
Genome position (GRCh38, 1-based): chr8:41,672,370, C>A on the plus strand (G>T on the coding strand, the complement: ANK1 is on the minus strand). VCF-style: chr8-41672370-C-A. GRCh37 (hg19) VCF-style: chr8-41529888-C-A.
Other names: p.Glu1694*; c.5203G>T, p.Glu1735Ter (NM_001142446.2); c.5080G>T, p.Glu1694Ter (NM_020475.3, NM_020476.3); c.4594G>T, p.Glu1532Ter (NM_020477.3); short protein forms E1735*, E1532*, E1694*.
Identifiers: ClinVar variation 4541355 (VCV004541355.1).
Genomic context (GRCh38, chr8:41,672,370, plus strand): 5'-CCAGAAGACAAAAAGGGACCCTGCTCCCACAGTCAAGCTCTTACCTGTCCTGACTCCTCT[C>A]CGTCACCTGACTCACGGTGGGGGAATGTGTGATTCGGGCTTGCCCCCTCTGATGGCCTGA-3'